The following is an entry in ClinVar:

NM_001145358.2(SIN3A):c.1177A>G (p.Thr393Ala)

Gene: SIN3A (SIN3 transcription regulator family member A; minus strand). Cytogenetic location: 15q24.2.
Variant type: single nucleotide variant.
Coding change: c.1177A>G on transcript NM_001145358.2 (MANE Select); coding-DNA position 1177, A replaced by G.
Protein change: p.Thr393Ala; replaces threonine 393 with alanine.
Molecular consequence: missense variant.
Genome position (GRCh38, 1-based): chr15:75,409,976, T>C on the plus strand (A>G on the coding strand, the complement: SIN3A is on the minus strand). VCF-style: chr15-75409976-T-C. GRCh37 (hg19) VCF-style: chr15-75702317-T-C.
Other names: c.1177A>G, p.Thr393Ala (NM_001145357.2, NM_015477.3); short protein forms T393A.
Identifiers: ClinVar variation 2576152 (VCV002576152.1), dbSNP rs774759370, ClinGen allele CA7667712.
Genomic context (GRCh38, chr15:75,409,976, plus strand): 5'-GTTGGGGCTTCTTGACAGTGCCTCCATGATCATTTCTCACAGAATCAACCTTCTCAGCAG[T>C]TGTTTTGCTTAAAAGCTGATTAAGACACATGAATGAGATTAATGCTCTTATCAAAGCAAA-3'
Protein context (NP_001138830.1, residues 383-403): ANSSVLLSKT[Thr393Ala]AEKVDSVRND

ClinVar aggregate classification (germline): Uncertain significance (1 of 4 stars; one submission).

Allele frequency attached by ClinVar (database versions not stated): gnomAD exomes below 0.00001; ExAC 0.00001; gnomAD 0.00001; TOPMed 0.00001.
gnomAD v4.1: 8 of 1,614,064 alleles (0.0005%); highest among the groups gnomAD compares: East Asian, 0.0022%; no homozygotes.

Submission:

Institute for Clinical Genetics, University Hospital TU Dresden, University Hospital TU Dresden
Classification: Uncertain significance. Last evaluated: 2023-06-14. Review status: criteria provided, single submitter. Criteria: ACMG Guidelines, 2015. Collection method: clinical testing. Allele origin: germline.
Comment: PM2_SUP, PP2